The following is an entry in ClinVar:

NM_000368.5(TSC1):c.524T>C (p.Val175Ala)

Gene: TSC1 (TSC complex subunit 1; minus strand). Cytogenetic location: 9q34.13.
Variant type: single nucleotide variant.
Coding change: c.524T>C on transcript NM_000368.5 (MANE Select); coding-DNA position 524, T replaced by C.
Protein change: p.Val175Ala; replaces valine 175 with alanine.
Molecular consequence: missense variant.
Genome position (GRCh38, 1-based): chr9:132,921,958, A>G on the plus strand (T>C on the coding strand, the complement: TSC1 is on the minus strand). VCF-style: chr9-132921958-A-G. GRCh37 (hg19) VCF-style: chr9-135797345-A-G.
Other names: c.524T>C, p.Val175Ala (NM_001162426.2); c.371T>C, p.Val124Ala (NM_001162427.2); c.161T>C, p.Val54Ala (NM_001362177.2); short protein forms V175A, V124A, V54A.
Identifiers: ClinVar variation 466147 (VCV000466147.19), dbSNP rs1415895533, ClinGen allele CA375372890.
Genomic context (GRCh38, chr9:132,921,958, plus strand): 5'-TACATTCCATAAAGGCGATGAAAGAGTGCGTACACACTGGCATGGAGATGGACGAGATAG[A>G]CTTCCGCCACGTGGCCTAGAAAAGGAACCCGTTGAGAAGAGCCTCTTAGTTGGAGACAGA-3'
Protein context (NP_000359.1, residues 165-185): CLKKPGHVAE[Val175Ala]YLVHLHASVY

ClinVar aggregate classification (germline): Conflicting classifications of pathogenicity. Review status: criteria provided, conflicting classifications (1 of 4 stars). 5 submissions from 5 submitters: Uncertain significance (1); Benign (1); Likely benign (3). Last evaluated 2026-01-12.

Conditions:
Tuberous sclerosis syndrome (TSC). Also called: Tuberous Sclerosis Complex; Tuberous sclerosis. Identifiers: Orphanet 805, MedGen C0041341, MONDO:0001734.
Hereditary cancer-predisposing syndrome. Also called: Hereditary neoplastic syndrome; Neoplastic Syndromes, Hereditary; Tumor predisposition; Hereditary Cancer Syndrome. Identifiers: Orphanet 140162, MedGen C0027672, MeSH D009386, MONDO:0015356.
Tuberous sclerosis 1 (TSC1). Identifiers: Orphanet 805, MedGen C1854465, MONDO:0008612, OMIM 191100.

Allele frequency attached by ClinVar (database versions not stated): gnomAD exomes below 0.00001 and 0.00001; TOPMed below 0.00001; gnomAD 0.00001.
gnomAD v4.1: 3 of 1,614,030 alleles (0.00019%); highest among the groups gnomAD compares: East Asian, 0.0045%; no homozygotes.

Submissions (5):

Labcorp Genetics (formerly Invitae), Labcorp
Classification: Benign for Tuberous sclerosis 1. Last evaluated: 2026-01-12. Review status: criteria provided, single submitter. Criteria: Invitae Variant Classification Sherloc (09022015). Collection method: clinical testing. Allele origin: germline.

Myriad Genetics, Inc.
Classification: Likely benign for Tuberous sclerosis 1. Last evaluated: 2024-08-23. Review status: criteria provided, single submitter. Criteria: Myriad Autosomal Dominant, Autosomal Recessive and X-Linked Classification Criteria (2023). Collection method: clinical testing. Allele origin: unknown.
Comment: This variant is considered likely benign. This variant has been observed at a population frequency that is significantly greater than expected given the associated disease prevalence and penetrance.

Ambry Genetics
Classification: Uncertain significance for Hereditary cancer-predisposing syndrome. Last evaluated: 2024-01-19. Review status: criteria provided, single submitter. Criteria: Ambry Variant Classification Scheme 2023. Collection method: clinical testing. Allele origin: germline.
Comment: The p.V175A variant (also known as c.524T>C), located in coding exon 5 of the TSC1 gene, results from a T to C substitution at nucleotide position 524. The valine at codon 175 is replaced by alanine, an amino acid with similar properties. This amino acid position is poorly conserved in available vertebrate species. In addition, the in silico prediction for this alteration is inconclusive. Based on the available evidence, the clinical significance of this alteration remains unclear.

Color Diagnostics, LLC DBA Color Health
Classification: Likely benign for Tuberous sclerosis syndrome. Last evaluated: 2022-05-19. Review status: criteria provided, single submitter. Criteria: ACMG Guidelines, 2015. Collection method: clinical testing. Allele origin: germline.

Genome-Nilou Lab
Classification: Likely benign for Tuberous sclerosis 1. Last evaluated: 2021-11-07. Review status: criteria provided, single submitter. Criteria: ACMG Guidelines, 2015. Collection method: clinical testing. Allele origin: germline. Affected: no.

Literature cited by the submitters: PubMed 32917966 (cited by Ambry Genetics).